The following is an entry in ClinVar:

NM_000372.5(TYR):c.902C>G (p.Pro301Arg)

Gene: TYR (tyrosinase; plus strand). Cytogenetic location: 11q14.3.
Variant type: single nucleotide variant.
Coding change: c.902C>G on transcript NM_000372.5 (MANE Select); coding-DNA position 902, C replaced by G.
Protein change: p.Pro301Arg; replaces proline 301 with arginine.
Molecular consequence: missense variant.
Genome position (GRCh38, 1-based): chr11:89,191,284, C>G. VCF-style: chr11-89191284-C-G. GRCh37 (hg19) VCF-style: chr11-88924452-C-G.
Other names: short protein forms P301R.
Identifiers: ClinVar variation 3336566 (VCV003336566.2).
Genomic context (GRCh38, chr11:89,191,284, plus strand): 5'-AGTACAACAGCCATCAGTCTTTATGCAATGGAACGCCCGAGGGACCTTTACGGCGTAATC[C>G]TGGAAACCATGACAAATCCAGAACCCCAAGGCTCCCCTCTTCAGCTGATGTAGAATTTTG-3'
Protein context (NP_000363.1, residues 291-311): GTPEGPLRRN[Pro301Arg]GNHDKSRTPR

ClinVar aggregate classification (germline): Conflicting classifications of pathogenicity. Review status: criteria provided, conflicting classifications (1 of 4 stars). 2 submissions from 2 submitters: Likely pathogenic (1); Uncertain significance (1). Last evaluated 2024-05-21.

Conditions:
SKIN/HAIR/EYE PIGMENTATION 3, LIGHT/DARK SKIN (SHEP3). Also called: SKIN/HAIR/EYE PIGMENTATION, VARIATION IN, 3; EYE COLOR 1; EYE COLOR, GREEN/BLUE; SKIN/HAIR/EYE PIGMENTATION 3, BLUE/GREEN EYE COLOR; SKIN/HAIR/EYE PIGMENTATION 3, FRECKLING. Identifiers: MedGen C2677190, OMIM 601800.
Oculocutaneous albinism type 1A (OCA1A). Also called: Albinism, oculocutaneous, type IA. Identifiers: Orphanet 352731, Orphanet 79431, MedGen C4551504, MONDO:0008745, OMIM 203100. Disease mechanism: loss of function.
Oculocutaneous albinism type 1B (OCA1B). Also called: ALBINISM, OCULOCUTANEOUS, TYPE IB; ALBINISM, YELLOW MUTANT TYPE; YELLOW ALBINISM. Identifiers: Orphanet 352731, Orphanet 352737, Orphanet 79434, MedGen C1847024, MONDO:0011749, OMIM 606952.

gnomAD v4.1: 1 of 1,613,668 alleles (0.000062%); highest among the groups gnomAD compares: Middle Eastern, 0.017%; no homozygotes.

Submissions (2):

Fulgent Genetics
Classification: Likely pathogenic for Oculocutaneous albinism type 1A; SKIN/HAIR/EYE PIGMENTATION 3, LIGHT/DARK SKIN; Oculocutaneous albinism type 1B. Last evaluated: 2024-05-21. Review status: criteria provided, single submitter. Criteria: ACMG Guidelines, 2015. Collection method: clinical testing. Allele origin: germline.

Women's Health and Genetics/Laboratory Corporation of America, LabCorp
Classification: Uncertain significance. Last evaluated: 2024-05-16. Review status: criteria provided, single submitter. Criteria: LabCorp Variant Classification Summary - May 2015. Collection method: clinical testing. Allele origin: germline.
Comment: Variant summary: TYR c.902C>G (p.Pro301Arg) results in a non-conservative amino acid change located in the Tyrosinase copper-binding domain (IPR002227) of the encoded protein sequence. Five of five in-silico tools predict a damaging effect of the variant on protein function. The variant was absent in 251192 control chromosomes. c.902C>G has been reported in the literature in trans with pathogenic variants in at least 2 individuals affected with clinical features of Oculocutaneous Albinism (example, Wang_2020, Wei_2022). These data indicate that the variant may be associated with disease. To our knowledge, no experimental evidence demonstrating an impact on protein function has been reported. The following publications have been ascertained in the context of this evaluation (PMID: 32619251, 34838614, 37734845). No submitters have cited clinical-significance assessments for this variant to ClinVar. Based on the evidence outlined above, the variant was classified as VUS-possibly pathogenic.

Literature cited by the submitters: PubMed 34838614 (cited by Women's Health and Genetics/Laboratory Corporation of America, LabCorp); PubMed 37734845 (cited by Women's Health and Genetics/Laboratory Corporation of America, LabCorp); PubMed 32619251 (cited by Women's Health and Genetics/Laboratory Corporation of America, LabCorp).